The following is an entry in ClinVar:

ClinVar aggregate classification (germline): Uncertain significance. Review status: criteria provided, multiple submitters, no conflicts (2 of 4 stars). 5 submissions from 5 submitters: Uncertain significance (5). Last evaluated 2024-03-24.

Conditions:
Cardiovascular phenotype. Identifiers: MedGen CN230736.
Catecholaminergic polymorphic ventricular tachycardia (CVPT). Also called: Catecholamine-induced polymorphic ventricular tachycardia. Identifiers: Orphanet 3286, MedGen C5574922, MONDO:0017990.
Cardiomyopathy (CMYO). Also called: Cardiomyopathies. Identifiers: Orphanet 167848, MedGen C0878544, MONDO:0004994, HP:0001638. Inheritance: Various modes of inheritance.
Catecholaminergic polymorphic ventricular tachycardia 1. Also called: VENTRICULAR TACHYCARDIA, STRESS-INDUCED POLYMORPHIC 1; VENTRICULAR TACHYCARDIA, CATECHOLAMINERGIC POLYMORPHIC, 1, WITH OR WITHOUT ATRIAL DYSFUNCTION AND/OR DILATED CARDIOMYOPATHY; RYR2-Related Catecholaminergic Polymorphic Ventricular Tachycardia. Identifiers: Orphanet 3286, MedGen C1631597, MONDO:0011484, OMIM 604772.

Allele frequency attached by ClinVar (database versions not stated): gnomAD exomes below 0.00001; ExAC 0.00001; TOPMed 0.00002.
gnomAD v4.1: 12 of 1,613,932 alleles (0.00074%); highest among the groups gnomAD compares: Non-Finnish European, 0.001%; no homozygotes.

Submissions (5):

All of Us Research Program, National Institutes of Health
Classification: Uncertain significance for Catecholaminergic polymorphic ventricular tachycardia. Last evaluated: 2024-03-24. Review status: criteria provided, single submitter. Criteria: ACMG Guidelines, 2015. Collection method: clinical testing. Allele origin: germline. Inheritance: Autosomal dominant inheritance. Observed: 1 variant allele, 1 heterozygote.
Comment: This missense variant replaces arginine with glycine at codon 1254 of the RYR2 protein. Computational prediction is inconclusive regarding the impact of this variant on protein structure and function. To our knowledge, functional studies have not been reported for this variant. This variant has not been reported in individuals affected with RYR2-related disorders in the literature. This variant has been identified in 1/249024 chromosomes in the general population by the Genome Aggregation Database (gnomAD). The available evidence is insufficient to determine the role of this variant in disease conclusively. Therefore, this variant is classified as a Variant of Uncertain Significance.

This study involves interpretation of variants in research participants for the purpose of population health screening. Participant phenotype was not available at the time of variant classification. Additional details can be found in publication PMID: 35346344, PMCID: PMC8962531

Labcorp Genetics (formerly Invitae), Labcorp
Classification: Uncertain significance for Catecholaminergic polymorphic ventricular tachycardia 1. Last evaluated: 2024-02-24. Review status: criteria provided, single submitter. Criteria: Invitae Variant Classification Sherloc (09022015). Collection method: clinical testing. Allele origin: germline.
Comment: This sequence change replaces arginine, which is basic and polar, with glycine, which is neutral and non-polar, at codon 1254 of the RYR2 protein (p.Arg1254Gly). This variant is not present in population databases (gnomAD no frequency). This variant has not been reported in the literature in individuals affected with RYR2-related conditions. ClinVar contains an entry for this variant (Variation ID: 1016084). Advanced modeling of protein sequence and biophysical properties (such as structural, functional, and spatial information, amino acid conservation, physicochemical variation, residue mobility, and thermodynamic stability) performed at Invitae indicates that this missense variant is not expected to disrupt RYR2 protein function with a negative predictive value of 95%. In summary, the available evidence is currently insufficient to determine the role of this variant in disease. Therefore, it has been classified as a Variant of Uncertain Significance.

Color Diagnostics, LLC DBA Color Health
Classification: Uncertain significance for Cardiomyopathy. Last evaluated: 2024-02-15. Review status: criteria provided, single submitter. Criteria: ACMG Guidelines, 2015. Collection method: clinical testing. Allele origin: germline.
Comment: This missense variant replaces arginine with glycine at codon 1254 of the RYR2 protein. Computational prediction is inconclusive regarding the impact of this variant on protein structure and function. To our knowledge, functional studies have not been reported for this variant. This variant has not been reported in individuals affected with RYR2-related disorders in the literature. This variant has been identified in 1/249024 chromosomes in the general population by the Genome Aggregation Database (gnomAD). The available evidence is insufficient to determine the role of this variant in disease conclusively. Therefore, this variant is classified as a Variant of Uncertain Significance.

GeneDx
Classification: Uncertain significance. Last evaluated: 2022-12-06. Review status: criteria provided, single submitter. Criteria: GeneDx Variant Classification Process June 2021. Collection method: clinical testing. Allele origin: germline. Affected: yes.
Comment: Has not been previously published as pathogenic or benign to our knowledge; Not observed at significant frequency in large population cohorts (gnomAD); Not located in one of the three hot-spot regions of the RYR2 gene, where the majority of pathogenic missense variants occur (Medeiros-Domingo et al., 2009); In silico analysis supports that this missense variant has a deleterious effect on protein structure/function; This variant is associated with the following publications: (PMID: 19926015)

Ambry Genetics
Classification: Uncertain significance for Cardiovascular phenotype. Last evaluated: 2020-11-02. Review status: criteria provided, single submitter. Criteria: Ambry Variant Classification Scheme 2023. Collection method: clinical testing. Allele origin: germline.
Comment: The p.R1254G variant (also known as c.3760A>G), located in coding exon 30 of the RYR2 gene, results from an A to G substitution at nucleotide position 3760. The arginine at codon 1254 is replaced by glycine, an amino acid with dissimilar properties. This amino acid position is well conserved in available vertebrate species. In addition, this alteration is predicted to be deleterious by in silico analysis. Since supporting evidence is limited at this time, the clinical significance of this alteration remains unclear.

NM_001035.3(RYR2):c.3760A>G (p.Arg1254Gly)

Gene: RYR2 (ryanodine receptor 2; plus strand). Cytogenetic location: 1q43.
Variant type: single nucleotide variant.
Coding change: c.3760A>G on transcript NM_001035.3 (MANE Select); coding-DNA position 3760, A replaced by G.
Protein change: p.Arg1254Gly; replaces arginine 1254 with glycine.
Molecular consequence: missense variant.
Genome position (GRCh38, 1-based): chr1:237,589,954, A>G. VCF-style: chr1-237589954-A-G. GRCh37 (hg19) VCF-style: chr1-237753254-A-G.
Other names: short protein forms R1254G.
Identifiers: ClinVar variation 1016084 (VCV001016084.14), dbSNP rs748217122, ClinGen allele CA086439.